The following is an entry in ClinVar:

ClinVar aggregate classification (germline): Likely benign. Review status: criteria provided, multiple submitters, no conflicts (2 of 4 stars). 3 submissions from 3 submitters: Likely benign (2). 1 of the submissions does not count toward it. Last evaluated 2025-08-16.

Conditions:
P3H2-related disorder. Also called: P3H2-related condition.

Allele frequency attached by ClinVar (database versions not stated): gnomAD exomes 0.00003.
gnomAD v4.1: 70 of 1,522,870 alleles (0.0046%); highest among the groups gnomAD compares: Non-Finnish European, 0.0058%; no homozygotes.

Submissions (3):

Labcorp Genetics (formerly Invitae), Labcorp
Classification: Likely benign. Last evaluated: 2025-08-16. Review status: criteria provided, single submitter. Criteria: Invitae Variant Classification Sherloc (09022015). Collection method: clinical testing. Allele origin: germline.

Blueprint Genetics
Classification: Likely benign. Last evaluated: 2023-04-27. Review status: criteria provided, single submitter. Criteria: ACMG Guidelines, 2015. Collection method: clinical testing. Allele origin: germline.

PreventionGenetics, part of Exact Sciences
Classification: Likely benign for P3H2-related condition. Last evaluated: 2022-05-13. Review status: no assertion criteria provided. Collection method: clinical testing. Allele origin: germline. Not counted in ClinVar's aggregate classification.
Comment: This variant is classified as likely benign based on ACMG/AMP sequence variant interpretation guidelines (Richards et al. 2015 PMID: 25741868, with internal and published modifications).

NM_018192.4(P3H2):c.63A>C (p.Pro21=)

Genes: P3H2 (prolyl 3-hydroxylase 2; minus strand), LOC123464484 (Sharpr-MPRA regulatory region 10063; plus strand). Cytogenetic location: 3q28.
Variant type: single nucleotide variant.
Coding change: c.63A>C on transcript NM_018192.4 (MANE Select); coding-DNA position 63, A replaced by C.
Protein change: p.Pro21=; no amino-acid change (proline 21 retained).
Molecular consequence: synonymous variant. On other transcripts: intron variant (1).
Genome position (GRCh38, 1-based): chr3:190,120,669, T>G on the plus strand (A>C on the coding strand, the complement: P3H2 is on the minus strand). VCF-style: chr3-190120669-T-G. GRCh37 (hg19) VCF-style: chr3-189838458-T-G.
Other names: c.-64+1534A>C (NM_001134418.2); c.63A>C (NM_018192.3).
Identifiers: ClinVar variation 1079388 (VCV001079388.10), dbSNP rs749637296, ClinGen allele CA2753445.